The following is an entry in ClinVar:

ClinVar aggregate classification (germline): Pathogenic/Likely pathogenic. Review status: criteria provided, multiple submitters, no conflicts (2 of 4 stars). 2 submissions from 2 submitters: Pathogenic (1); Likely pathogenic (1). Last evaluated 2021-12-16.

Conditions:
Neurodevelopmental disorder. Identifiers: MedGen C1535926, MeSH D065886, MONDO:0700092.

Submissions (2):

Laboratory of Molecular Genetics (Pr. Bezieau's lab), CHU de Nantes
Classification: Pathogenic for Neurodevelopmental disorder. Last evaluated: 2021-12-16. Review status: criteria provided, single submitter. Criteria: ACMG Guidelines, 2015. Collection method: clinical testing. Allele origin: germline. Affected: yes.

GeneDx
Classification: Likely pathogenic. Last evaluated: 2019-09-22. Review status: criteria provided, single submitter. Criteria: GeneDx Variant Classification Process June 2021. Collection method: clinical testing. Allele origin: germline. Affected: yes.
Comment: Not observed in large population cohorts (Lek et al., 2016); In silico analysis, which includes protein predictors and evolutionary conservation, supports a deleterious effect; Has not been previously published as pathogenic or benign to our knowledge

NM_003070.5(SMARCA2):c.3602C>A (p.Ala1201Glu)

Gene: SMARCA2 (SWI/SNF related, matrix associated, actin dependent regulator of chromatin, subfamily a, member 2; plus strand). Cytogenetic location: 9p24.3.
Variant type: single nucleotide variant.
Coding change: c.3602C>A on transcript NM_003070.5 (MANE Select); coding-DNA position 3602, C replaced by A.
Protein change: p.Ala1201Glu; replaces alanine 1201 with glutamic acid.
Molecular consequence: missense variant.
Genome position (GRCh38, 1-based): chr9:2,115,967, C>A. VCF-style: chr9-2115967-C-A. GRCh37 (hg19) VCF-style: chr9-2115967-C-A.
Other names: c.3602C>A, p.Ala1201Glu (NM_001289396.2, NM_139045.4); c.3428C>A, p.Ala1143Glu (NM_001289397.2); short protein forms A1143E, A1201E.
Identifiers: ClinVar variation 1206691 (VCV001206691.4), dbSNP rs281875189, ClinGen allele CA372788952.
Genomic context (GRCh38, chr9:2,115,967, plus strand): 5'-AGGAAAAGATCCTCGCGGCCGCAAAATACAAGCTGAACGTGGATCAGAAAGTGATCCAGG[C>A]GGGCATGTTTGACCAAAAGTCTTCAAGCCACGAGCGGAGGGCATTCCTGCAGGCCATCTT-3'
Protein context (NP_003061.3, residues 1191-1211): KLNVDQKVIQ[Ala1201Glu]GMFDQKSSSH